The following is an entry in ClinVar:

ClinVar aggregate classification (germline): Benign (1 of 4 stars; one submission).

Allele frequency attached by ClinVar (database versions not stated): gnomAD 0.01625; TOPMed 0.01821; 1000 Genomes Project 0.01857; 1000 Genomes Project 30x 0.02061.
gnomAD v4.1: 2,496 of 151,786 alleles (1.6%); highest among the groups gnomAD compares: African/African-American, 5.7%; 89 homozygotes.

Submission:

GeneDx
Classification: Benign. Last evaluated: 2018-06-16. Review status: criteria provided, single submitter. Criteria: GeneDx Variant Classification (06012015). Collection method: clinical testing. Allele origin: germline. Affected: yes.
Comment: This variant is considered likely benign or benign based on one or more of the following criteria: it is a conservative change, it occurs at a poorly conserved position in the protein, it is predicted to be benign by multiple in silico algorithms, and/or has population frequency not consistent with disease.

NM_001079802.2(FKTN):c.648-1003T>G

Gene: FKTN (fukutin; plus strand). Cytogenetic location: 9q31.2.
Variant type: single nucleotide variant.
Coding change: c.648-1003T>G on transcript NM_001079802.2 (MANE Select); 1003 bases into the intron before coding-DNA position 648, T replaced by G.
Molecular consequence: intron variant.
Genome position (GRCh38, 1-based): chr9:105,606,816, T>G. VCF-style: chr9-105606816-T-G. GRCh37 (hg19) VCF-style: chr9-108369097-T-G.
Other names: c.648-1003T>G (NM_006731.2, NM_001351496.2, NM_001198963.2 and 1 more transcripts); c.252-1003T>G (NM_001351502.2, NM_001351499.2, NM_001351500.2 and 1 more transcripts); c.579-1003T>G (NM_001351497.2).
Identifiers: ClinVar variation 681320 (VCV000681320.1), dbSNP rs114684562, ClinGen allele CA197440288.